The following is an entry in ClinVar:

ClinVar aggregate classification (germline): Uncertain significance (1 of 4 stars; one submission).

Allele frequency attached by ClinVar (database versions not stated): TOPMed below 0.00001.

Submission:

Labcorp Genetics (formerly Invitae), Labcorp
Classification: Uncertain significance. Last evaluated: 2022-07-19. Review status: criteria provided, single submitter. Criteria: Invitae Variant Classification Sherloc (09022015). Collection method: clinical testing. Allele origin: germline.
Comment: In summary, the available evidence is currently insufficient to determine the role of this variant in disease. Therefore, it has been classified as a Variant of Uncertain Significance. Algorithms developed to predict the effect of missense changes on protein structure and function are either unavailable or do not agree on the potential impact of this missense change (SIFT: "Deleterious"; PolyPhen-2: "Not Available"; Align-GVGD: "Class C0"). ClinVar contains an entry for this variant (Variation ID: 841369). This variant has not been reported in the literature in individuals affected with CDH23-related conditions. This variant is not present in population databases (gnomAD no frequency). This sequence change replaces glutamine, which is neutral and polar, with arginine, which is basic and polar, at codon 3231 of the CDH23 protein (p.Gln3231Arg).

NM_022124.6(CDH23):c.9692A>G (p.Gln3231Arg)

Gene: CDH23 (cadherin related 23; plus strand). Cytogenetic location: 10q22.1.
Variant type: single nucleotide variant.
Coding change: c.9692A>G on transcript NM_022124.6 (MANE Select); coding-DNA position 9692, A replaced by G.
Protein change: p.Gln3231Arg; replaces glutamine 3231 with arginine.
Molecular consequence: missense variant. On other transcripts: intron variant (2).
Genome position (GRCh38, 1-based): chr10:71,813,302, A>G. VCF-style: chr10-71813302-A-G. GRCh37 (hg19) VCF-style: chr10-73573059-A-G.
Other names: c.2972A>G, p.Gln991Arg (NM_001171933.1); c.383A>G, p.Gln128Arg (NM_001171935.1); c.2913+412A>G (NM_001171934.1); c.324+412A>G (NM_001171936.1); short protein forms Q3231R, Q991R, Q128R.
Identifiers: ClinVar variation 841369 (VCV000841369.8), dbSNP rs1842004873, ClinGen allele CA377137324.